The following is an entry in ClinVar:

NM_022124.6(CDH23):c.4550T>C (p.Ile1517Thr)

Gene: CDH23 (cadherin related 23; plus strand). Cytogenetic location: 10q22.1.
Variant type: single nucleotide variant.
Coding change: c.4550T>C on transcript NM_022124.6 (MANE Select); coding-DNA position 4550, T replaced by C.
Protein change: p.Ile1517Thr; replaces isoleucine 1517 with threonine.
Molecular consequence: missense variant.
Genome position (GRCh38, 1-based): chr10:71,740,883, T>C. VCF-style: chr10-71740883-T-C. GRCh37 (hg19) VCF-style: chr10-73500640-T-C.
Other names: short protein forms I1517T.
Identifiers: ClinVar variation 1382316 (VCV001382316.3), dbSNP rs2132846238, ClinGen allele CA377160530.

ClinVar aggregate classification (germline): Uncertain significance (1 of 4 stars; one submission).

Submission:

Labcorp Genetics (formerly Invitae), Labcorp
Classification: Uncertain significance. Last evaluated: 2021-09-19. Review status: criteria provided, single submitter. Criteria: Invitae Variant Classification Sherloc (09022015). Collection method: clinical testing. Allele origin: germline.
Comment: This sequence change replaces isoleucine with threonine at codon 1517 of the CDH23 protein (p.Ile1517Thr). The isoleucine residue is highly conserved and there is a moderate physicochemical difference between isoleucine and threonine. This variant is not present in population databases (ExAC no frequency). This variant has not been reported in the literature in individuals affected with CDH23-related conditions. Algorithms developed to predict the effect of missense changes on protein structure and function are either unavailable or do not agree on the potential impact of this missense change (SIFT: "Deleterious"; PolyPhen-2: "Not Available"; Align-GVGD: "Class C0"). In summary, the available evidence is currently insufficient to determine the role of this variant in disease. Therefore, it has been classified as a Variant of Uncertain Significance.